The following is an entry in ClinVar:

ClinVar aggregate classification (germline): Conflicting classifications of pathogenicity. Review status: criteria provided, conflicting classifications (1 of 4 stars). 2 submissions from 2 submitters: Likely pathogenic (1); Uncertain significance (1). Last evaluated 2024-06-27.

Conditions:
Muscular dystrophy-dystroglycanopathy type B6 (MDDGB6). Also called: MUSCULAR DYSTROPHY-DYSTROGLYCANOPATHY (CONGENITAL WITH IMPAIRED INTELLECTUAL DEVELOPMENT), TYPE B, 6; MUSCULAR DYSTROPHY, CONGENITAL, LARGE-RELATED; MUSCULAR DYSTROPHY, CONGENITAL, TYPE 1D. Identifiers: MedGen C1837229, MONDO:0012138, OMIM 608840.

Allele frequency attached by ClinVar (database versions not stated): gnomAD exomes below 0.00001; TOPMed below 0.00001.

Submissions (2):

Blueprint Genetics
Classification: Uncertain significance. Last evaluated: 2024-06-27. Review status: criteria provided, single submitter. Criteria: ACMG Guidelines, 2015. Collection method: clinical testing. Allele origin: germline.

Labcorp Genetics (formerly Invitae), Labcorp
Classification: Likely pathogenic for Muscular dystrophy-dystroglycanopathy type B6. Last evaluated: 2023-08-17. Review status: criteria provided, single submitter. Criteria: Invitae Variant Classification Sherloc (09022015). Collection method: clinical testing. Allele origin: germline.
Comment: In summary, the currently available evidence indicates that the variant is pathogenic, but additional data are needed to prove that conclusively. Therefore, this variant has been classified as Likely Pathogenic. Algorithms developed to predict the effect of sequence changes on RNA splicing suggest that this variant may disrupt the consensus splice site. ClinVar contains an entry for this variant (Variation ID: 1499128). This variant has not been reported in the literature in individuals affected with LARGE1-related conditions. This variant is present in population databases (no rsID available, gnomAD 0.002%). This sequence change affects a donor splice site in intron 13 of the LARGE1 gene. It is expected to disrupt RNA splicing. Variants that disrupt the donor or acceptor splice site typically lead to a loss of protein function (PMID: 16199547), and loss-of-function variants in LARGE1 are known to be pathogenic (PMID: 12966029, 17878207).

Literature cited by the submitters: PubMed 16199547 (cited by Labcorp Genetics (formerly Invitae), Labcorp); PubMed 12966029 (cited by Labcorp Genetics (formerly Invitae), Labcorp); PubMed 17878207 (cited by Labcorp Genetics (formerly Invitae), Labcorp).

NM_133642.5(LARGE1):c.1730+1G>A

Gene: LARGE1 (LARGE xylosyl- and glucuronyltransferase 1; minus strand). Cytogenetic location: 22q12.3.
Variant type: single nucleotide variant.
Coding change: c.1730+1G>A on transcript NM_133642.5 (MANE Select); the canonical splice donor site of the intron after coding-DNA position 1730, G replaced by A.
Molecular consequence: splice donor variant.
Genome position (GRCh38, 1-based): chr22:33,304,228, C>T on the plus strand (G>A on the coding strand, the complement: LARGE1 is on the minus strand). VCF-style: chr22-33304228-C-T. GRCh37 (hg19) VCF-style: chr22-33700214-C-T.
Other names: c.1730+1G>A (NM_001362953.2, NM_001362949.2, NM_001378627.1 and 6 more transcripts); c.1574+1G>A (NM_001378629.1); c.971+1G>A (NM_001378631.1); c.1127+1G>A (NM_001378630.1).
Identifiers: ClinVar variation 1499128 (VCV001499128.7), dbSNP rs898695674, ClinGen allele CA323711548.
Genomic context (GRCh38, chr22:33,304,228, plus strand): 5'-CTGGCACTGCATGGCCCTATGTGCCTTCTGGCCTGATGGCCAGGCCCCTGCAGGTCCTTA[C>T]CTGAGGTACTCATAGAGCCCATACATGGGCAGGAAGTCAATGTCAGACAGGAACATGTAG-3'